The following is an entry in ClinVar:

ClinVar aggregate classification (germline): Uncertain significance (1 of 4 stars; one submission).

Conditions:
Developmental and epileptic encephalopathy, 9 (DEE9). Also called: Early infantile epileptic encephalopathy 9; EPILEPSY, FEMALE-RESTRICTED, WITH MENTAL RETARDATION; JUBERG-HELLMAN SYNDROME; PCDH19-Related X-Linked Female-Limited Epilepsy with Mental Retardation. Identifiers: Orphanet 101039, Orphanet 2076, MedGen C1848137, MONDO:0010246, OMIM 300088. Disease mechanism: loss of function.

Submission:

Labcorp Genetics (formerly Invitae), Labcorp
Classification: Uncertain significance for Developmental and epileptic encephalopathy, 9. Last evaluated: 2020-09-24. Review status: criteria provided, single submitter. Criteria: Invitae Variant Classification Sherloc (09022015). Collection method: clinical testing. Allele origin: germline.
Comment: In summary, the available evidence is currently insufficient to determine the role of this variant in disease. Therefore, it has been classified as a Variant of Uncertain Significance. Advanced modeling of protein sequence and biophysical properties (such as structural, functional, and spatial information, amino acid conservation, physicochemical variation, residue mobility, and thermodynamic stability) performed at Invitae indicates that this missense variant is expected to disrupt PCDH19 protein function. This variant has not been reported in the literature in individuals with PCDH19-related conditions. This variant is not present in population databases (ExAC no frequency). This sequence change replaces glycine with arginine at codon 159 of the PCDH19 protein (p.Gly159Arg). The glycine residue is highly conserved and there is a moderate physicochemical difference between glycine and arginine.

NM_001184880.2(PCDH19):c.475G>A (p.Gly159Arg)

Gene: PCDH19 (protocadherin 19; minus strand). Cytogenetic location: Xq22.1.
Variant type: single nucleotide variant.
Coding change: c.475G>A on transcript NM_001184880.2 (MANE Select); coding-DNA position 475, G replaced by A.
Protein change: p.Gly159Arg; replaces glycine 159 with arginine.
Molecular consequence: missense variant.
Genome position (GRCh38, 1-based): chrX:100,408,123, C>T on the plus strand (G>A on the coding strand, the complement: PCDH19 is on the minus strand). VCF-style: chrX-100408123-C-T. GRCh37 (hg19) VCF-style: chrX-99663121-C-T.
Other names: c.475G>A, p.Gly159Arg (NM_001105243.2, NM_020766.3); short protein forms G159R.
Identifiers: ClinVar variation 1061451 (VCV001061451.9), dbSNP rs2147541809, ClinGen allele CA414009547.